The following is an entry in ClinVar:

NM_007294.4(BRCA1):c.143T>A (p.Met48Lys)

Gene: BRCA1 (BRCA1 DNA repair associated; minus strand). Cytogenetic location: 17q21.31.
Variant type: single nucleotide variant.
Coding change: c.143T>A on transcript NM_007294.4 (MANE Select); coding-DNA position 143, T replaced by A.
Protein change: p.Met48Lys; replaces methionine 48 with lysine.
Molecular consequence: missense variant. On other transcripts: initiator codon variant (1), non-coding transcript variant (1).
Genome position (GRCh38, 1-based): chr17:43,106,525, A>T on the plus strand (T>A on the coding strand, the complement: BRCA1 is on the minus strand). VCF-style: chr17-43106525-A-T. GRCh37 (hg19) VCF-style: chr17-41258542-A-T.
Other names: c.143T>A, p.Met48Lys (NM_001407972.1, NM_001407973.1, NM_001407974.1 and 168 more transcripts); c.2T>A, p.Met1Lys (NM_001408410.1, NM_001408452.1, NM_001408453.1 and 99 more transcripts); c.-46T>A (NM_001408502.1, NM_001408506.1, NM_001408507.1 and 58 more transcripts); short protein forms M1K, M48K.
Identifiers: ClinVar variation 865195 (VCV000865195.4), dbSNP rs1230532866, ClinGen allele CA10601870.
Genomic context (GRCh38, chr17:43,106,525, plus strand): 5'-ATATCATTCTTACATAAAGGACACTGTGAAGGCCCTTTCTTCTGGTTGAGAAGTTTCAGC[A>T]TGCAAAATCTATAAATTATAAAGAAAGAAAGAACAATTTAATTTACTTCCTTTTGTAGAA-3'
Protein context (NP_009225.1, residues 38-58): KCDHIFCKFC[Met48Lys]LKLLNQKKGP

Conditions:
Breast-ovarian cancer, familial, susceptibility to, 1 (BROVCA1). Also called: BRCA1 Hereditary Breast and Ovarian Cancer; OVARIAN CANCER, SUSCEPTIBILITY TO. Identifiers: Orphanet 145, MedGen C2676676, MONDO:0011450, OMIM 604370. Disease mechanism: loss of function.

Submission:

Brotman Baty Institute, University of Washington
No classification provided (evidence only). Condition: Breast-ovarian cancer, familial 1. Review status: no classification provided. Collection method: in vitro. Allele origin: not applicable. Functional consequence: functionally_abnormal.
ClinVar note: "not provided" was previously submitted as the classification for the variant. However, the classification appeared to be based only on an observation of functional data so it was converted to no classification on 2025-07-30.